The following is an entry in ClinVar:

NM_001278716.2(FBXL4):c.1664C>A (p.Ala555Glu)

Gene: FBXL4 (F-box and leucine rich repeat protein 4; minus strand). Cytogenetic location: 6q16.1.
Variant type: single nucleotide variant.
Coding change: c.1664C>A on transcript NM_001278716.2 (MANE Select); coding-DNA position 1664, C replaced by A.
Protein change: p.Ala555Glu; replaces alanine 555 with glutamic acid.
Molecular consequence: missense variant. On other transcripts: non-coding transcript variant (1).
Genome position (GRCh38, 1-based): chr6:98,875,453, G>T on the plus strand (C>A on the coding strand, the complement: FBXL4 is on the minus strand). VCF-style: chr6-98875453-G-T. GRCh37 (hg19) VCF-style: chr6-99323329-G-T.
Other names: c.1664C>A, p.Ala555Glu (NM_012160.5); short protein forms A555E.
Identifiers: ClinVar variation 4976523 (VCV004976523.1).

ClinVar aggregate classification (germline): Uncertain significance (1 of 4 stars; one submission).

Submission:

GeneDx
Classification: Uncertain significance. Last evaluated: 2026-02-12. Review status: criteria provided, single submitter. Criteria: GeneDx Variant Classification Process June 2021. Collection method: clinical testing. Allele origin: germline.
Comment: Not observed at significant frequency in large population cohorts (gnomAD); In silico analysis supports that this missense variant has a deleterious effect on protein structure/function; Has not been previously published as pathogenic or benign to our knowledge